The following is an entry in ClinVar:

ClinVar aggregate classification (germline): Uncertain significance (1 of 4 stars; one submission).

Allele frequency attached by ClinVar (database versions not stated): gnomAD exomes below 0.00001.
gnomAD v4.1: 1 of 1,614,200 alleles (0.000062%); highest among the groups gnomAD compares: Non-Finnish European, 0.000085%; no homozygotes.

Submission:

GeneDx
Classification: Uncertain significance. Last evaluated: 2025-07-20. Review status: criteria provided, single submitter. Criteria: GeneDx Variant Classification Process June 2021. Collection method: clinical testing. Allele origin: germline.
Comment: Not observed at significant frequency in large population cohorts (gnomAD); In silico analysis supports that this missense variant has a deleterious effect on protein structure/function; Has not been previously published as pathogenic or benign to our knowledge

NM_006035.4(CDC42BPB):c.1106A>G (p.Asn369Ser)

Gene: CDC42BPB (CDC42 binding protein kinase beta; minus strand). Cytogenetic location: 14q32.32.
Variant type: single nucleotide variant.
Coding change: c.1106A>G on transcript NM_006035.4 (MANE Select); coding-DNA position 1106, A replaced by G.
Protein change: p.Asn369Ser; replaces asparagine 369 with serine.
Molecular consequence: missense variant.
Genome position (GRCh38, 1-based): chr14:102,980,807, T>C on the plus strand (A>G on the coding strand, the complement: CDC42BPB is on the minus strand). VCF-style: chr14-102980807-T-C. GRCh37 (hg19) VCF-style: chr14-103447144-T-C.
Other names: c.1106A>G, p.Asn369Ser (NM_001411054.1); short protein forms N369S.
Identifiers: ClinVar variation 2446079 (VCV002446079.2), dbSNP rs2542909751, ClinGen allele CA391090542.